The following is an entry in ClinVar:

ClinVar aggregate classification (germline): Likely benign. Review status: criteria provided, single submitter (1 of 4 stars). 2 submissions from 2 submitters: Likely benign (1). 1 of the submissions does not count toward it. Last evaluated 2025-05-05.

Conditions:
NTRK2-related disorder. Also called: NTRK2-related condition.

Allele frequency attached by ClinVar (database versions not stated): gnomAD exomes 0.00002; TOPMed 0.00002; gnomAD 0.00004; ESP Exome Variant Server 0.00008.
gnomAD v4.1: 45 of 1,613,610 alleles (0.0028%); highest among the groups gnomAD compares: South Asian, 0.0055%; no homozygotes.

Submissions (2):

Labcorp Genetics (formerly Invitae), Labcorp
Classification: Likely benign. Last evaluated: 2025-05-05. Review status: criteria provided, single submitter. Criteria: Invitae Variant Classification Sherloc (09022015). Collection method: clinical testing. Allele origin: germline.

PreventionGenetics, part of Exact Sciences
Classification: Likely benign for NTRK2-related condition. Last evaluated: 2022-01-17. Review status: no assertion criteria provided. Collection method: clinical testing. Allele origin: germline. Not counted in ClinVar's aggregate classification.
Comment: This variant is classified as likely benign based on ACMG/AMP sequence variant interpretation guidelines (Richards et al. 2015 PMID: 25741868, with internal and published modifications).

NM_006180.6(NTRK2):c.1155C>T (p.Asp385=)

Gene: NTRK2 (neurotrophic receptor tyrosine kinase 2; plus strand). Cytogenetic location: 9q21.33.
Variant type: single nucleotide variant.
Coding change: c.1155C>T on transcript NM_006180.6 (MANE Select); coding-DNA position 1155, C replaced by T.
Protein change: p.Asp385=; no amino-acid change (aspartic acid 385 retained).
Molecular consequence: synonymous variant.
Genome position (GRCh38, 1-based): chr9:84,727,955, C>T. VCF-style: chr9-84727955-C-T. GRCh37 (hg19) VCF-style: chr9-87342870-C-T.
Other names: c.1155C>T, p.Asp385= (NM_001007097.3, NM_001018064.3, NM_001018065.2 and 16 more transcripts); c.1116C>T, p.Asp372= (NM_001291937.2, NM_001369546.1); c.687C>T, p.Asp229= (NM_001369535.1, NM_001369536.1, NM_001369550.1 and 2 more transcripts); c.1155C>T (NM_006180.4).
Identifiers: ClinVar variation 1583915 (VCV001583915.10), dbSNP rs183322024, ClinGen allele CA5105627.